The following is an entry in ClinVar:

NM_007294.4(BRCA1):c.5274A>G (p.Arg1758=)

Gene: BRCA1 (BRCA1 DNA repair associated; minus strand). Cytogenetic location: 17q21.31.
Variant type: single nucleotide variant.
Coding change: c.5274A>G on transcript NM_007294.4 (MANE Select); coding-DNA position 5274, A replaced by G.
Protein change: p.Arg1758=; no amino-acid change (arginine 1758 retained).
Molecular consequence: synonymous variant.
Genome position (GRCh38, 1-based): chr17:43,057,055, T>C on the plus strand (A>G on the coding strand, the complement: BRCA1 is on the minus strand). VCF-style: chr17-43057055-T-C. GRCh37 (hg19) VCF-style: chr17-41209072-T-C.
Other names: c.5061A>G, p.Arg1687= (NM_001407571.1, NM_001407894.1, NM_001407895.1 and 12 more transcripts); c.5340A>G, p.Arg1780= (NM_001407581.1, NM_001407582.1); c.5337A>G, p.Arg1779= (NM_001407583.1, NM_001407585.1, NM_001407587.1 and 1 more transcripts); c.5334A>G, p.Arg1778= (NM_001407590.1, NM_001407591.1); c.5274A>G, p.Arg1758= (NM_001407593.1, NM_001407594.1, NM_001407596.1 and 7 more transcripts); c.5271A>G, p.Arg1757= (NM_001407610.1, NM_001407611.1, NM_001407612.1 and 17 more transcripts); c.5268A>G, p.Arg1756= (NM_001407627.1, NM_001407628.1, NM_001407629.1 and 14 more transcripts); c.5265A>G, p.Arg1755= (NM_001407644.1, NM_001407645.1); and 72 more.
Identifiers: ClinVar variation 232795 (VCV000232795.29), dbSNP rs758739620, ClinGen allele CA054291.

ClinVar aggregate classification (germline): Likely benign. Review status: reviewed by expert panel (3 of 4 stars). 8 submissions from 8 submitters: Likely benign (1). 7 of the submissions do not count toward it. Last evaluated 2017-06-29.

Conditions:
Breast and/or ovarian cancer. Identifiers: MedGen CN221562.
Hereditary cancer-predisposing syndrome. Also called: Tumor predisposition; Hereditary Cancer Syndrome; Neoplastic Syndromes, Hereditary; Hereditary neoplastic syndrome. Identifiers: Orphanet 140162, MedGen C0027672, MeSH D009386, MONDO:0015356.
Hereditary breast ovarian cancer syndrome. Also called: Breast and ovarian cancer; Hereditary breast and ovarian cancer; Hereditary breast and ovarian cancer syndrome; Hereditary breast and/or ovarian cancer syndrome; BRCA1- and BRCA2-Associated Hereditary Breast and Ovarian Cancer; Hereditary breast and ovarian cancer syndrome (HBOC). Identifiers: Orphanet 145, MedGen C0677776, MeSH D061325, MONDO:0003582. Disease mechanism: loss of function.
Breast-ovarian cancer, familial, susceptibility to, 1 (BROVCA1). Also called: BRCA1 Hereditary Breast and Ovarian Cancer; OVARIAN CANCER, SUSCEPTIBILITY TO. Identifiers: Orphanet 145, MedGen C2676676, MONDO:0011450, OMIM 604370. Disease mechanism: loss of function.
Malignant tumor of breast. Also called: Malignant breast neoplasm; Cancer breast. Identifiers: MedGen C0006142, MONDO:0007254. Disease mechanism: loss of function.

Allele frequency attached by ClinVar (database versions not stated): ExAC 0.00001; gnomAD exomes 0.00001 and 0.00002.
gnomAD v4.1: 6 of 1,614,024 alleles (0.00037%); highest among the groups gnomAD compares: Non-Finnish European, 0.00051%; no homozygotes.

Submissions (9):

Evidence-based Network for the Interpretation of Germline Mutant Alleles (ENIGMA)
Classification: Likely benign for Breast-ovarian cancer, familial, susceptibility to, 1. Last evaluated: 2017-06-29. Review status: reviewed by expert panel. Criteria: ENIGMA BRCA1/2 Classification Criteria (2017-06-29). Collection method: curation. Allele origin: germline.
Comment: Synonymous substitution variant, with low bioinformatic likelihood to result in a splicing aberration (Splicing prior probability 0.02).

Labcorp Genetics (formerly Invitae), Labcorp
Classification: Likely benign for Hereditary breast ovarian cancer syndrome. Last evaluated: 2025-11-12. Review status: criteria provided, single submitter. Criteria: Invitae Variant Classification Sherloc (09022015). Collection method: clinical testing. Allele origin: germline. Not counted in ClinVar's aggregate classification.

All of Us Research Program, National Institutes of Health
Classification: Likely benign for Breast-ovarian cancer, familial, susceptibility to, 1. Last evaluated: 2023-09-04. Review status: criteria provided, single submitter. Criteria: ACMG Guidelines, 2015. Collection method: clinical testing. Allele origin: germline. Inheritance: Autosomal dominant inheritance. Observed: 1 variant allele, 1 heterozygote. Not counted in ClinVar's aggregate classification.
Comment: This study involves interpretation of variants in research participants for the purpose of population health screening. Participant phenotype was not available at the time of variant classification. Additional details can be found in publication PMID: 35346344, PMCID: PMC8962531

CHEO Genetics Diagnostic Laboratory, Children's Hospital of Eastern Ontario
Classification: Likely benign for Breast and/or ovarian cancer. Last evaluated: 2023-06-05. Review status: criteria provided, single submitter. Criteria: ACMG Guidelines, 2015. Collection method: clinical testing. Allele origin: germline. Study: Canadian Open Genetics Repository. Not counted in ClinVar's aggregate classification.

GeneDx
Classification: Likely benign. Last evaluated: 2017-11-15. Review status: criteria provided, single submitter. Criteria: GeneDx Variant Classification (06012015). Collection method: clinical testing. Allele origin: germline. Affected: yes. Not counted in ClinVar's aggregate classification.
Comment: This variant is considered likely benign or benign based on one or more of the following criteria: it is a conservative change, it occurs at a poorly conserved position in the protein, it is predicted to be benign by multiple in silico algorithms, and/or has population frequency not consistent with disease.

Color Diagnostics, LLC DBA Color Health
Classification: Likely benign for Hereditary cancer-predisposing syndrome. Last evaluated: 2016-07-12. Review status: criteria provided, single submitter. Criteria: ACMG Guidelines, 2015. Collection method: clinical testing. Allele origin: germline. Not counted in ClinVar's aggregate classification.

Ambry Genetics
Classification: Likely benign for Hereditary cancer-predisposing syndrome. Last evaluated: 2015-07-10. Review status: criteria provided, single submitter. Criteria: Ambry Variant Classification Scheme 2023. Collection method: clinical testing. Allele origin: germline. Not counted in ClinVar's aggregate classification.

Brotman Baty Institute, University of Washington
No classification provided (evidence only). Condition: Breast-ovarian cancer, familial 1. Review status: no classification provided. Collection method: in vitro. Allele origin: not applicable. Functional consequence: functionally_normal. Not counted in ClinVar's aggregate classification.
ClinVar note: "not provided" was previously submitted as the classification for the variant. However, the classification appeared to be based only on an observation of functional data so it was converted to no classification on 2025-07-30.

Department of Pathology and Laboratory Medicine, Sinai Health System
Classification: Likely benign for Malignant tumor of breast. Review status: no assertion criteria provided. Collection method: clinical testing. Allele origin: unknown. Affected: yes. Observed: 2 variant alleles. Study: The Canadian Open Genetics Repository (COGR). Not counted in ClinVar's aggregate classification.
Comment: The BRCA1 p.Arg1758= variant was not identified in the literature nor was it identified in the Cosmic, MutDB, LOVD 3.0, UMD-LSDB, BIC Database, ARUP Laboratories, Zhejiang Colon Cancer Database, databases. The variant was also identified in dbSNP (ID: rs758739620) as With Likely benign allele, ClinVar (classified as likely benign by Color Genomics, Ambry Genetics, GeneDx, Invitae, Enigma), Clinvitae, GeneInsight-COGR), databases. The variant was identified in control databases in 4 of 246272 chromosomes at a frequency of 0.00002 (Genome Aggregation Database Feb 27, 2017). Breakdown of the observations by population include European in 4 of 111720 chromosomes (freq: 0.00004), while the variant was not observed in the African, Other, Latino, Ashkenazi Jewish, East Asian, Finnish, and South Asian populations. The p.Arg1758= variant is not expected to have clinical significance because it does not result in a change of amino acid and is not located in a known consensus splice site. In addition, in silico or computational prediction software programs (SpliceSiteFinder, MaxEntScan, NNSPLICE, GeneSplicer, HumanSpliceFinder) do not predict a difference in splicing. In summary, based on the above information, the clinical significance of this variant cannot be determined with certainty at this time although we would lean towards a more benign role for this variant. This variant is classified as likely benign.